The following is an entry in ClinVar:

NM_000343.4(SLC5A1):c.206C>T (p.Pro69Leu)

Gene: SLC5A1 (solute carrier family 5 member 1; plus strand). Cytogenetic location: 22q12.3.
Variant type: single nucleotide variant.
Coding change: c.206C>T on transcript NM_000343.4 (MANE Select); coding-DNA position 206, C replaced by T.
Protein change: p.Pro69Leu; replaces proline 69 with leucine.
Molecular consequence: missense variant.
Genome position (GRCh38, 1-based): chr22:32,050,013, C>T. VCF-style: chr22-32050013-C-T. GRCh37 (hg19) VCF-style: chr22-32446000-C-T.
Other names: c.206C>T (NM_000343.3); short protein forms P69L.
Identifiers: ClinVar variation 1060467 (VCV001060467.5), dbSNP rs199683554, ClinGen allele CA323384063.
Genomic context (GRCh38, chr22:32,050,013, plus strand): 5'-CCACCAATCGTGGGACTGTTGGAGGCTTCTTCCTGGCAGGCCGAAGTATGGTGTGGTGGC[C>T]GGTAAGTTTTCTCTGAAATGCTATTTACATAACTGCTTAACTGATACTCCCTTTAGGAAC-3'
Protein context (NP_000334.1, residues 59-79): FLAGRSMVWW[Pro69Leu]IGASLFASNI

ClinVar aggregate classification (germline): Uncertain significance. Review status: criteria provided, multiple submitters, no conflicts (2 of 4 stars). 2 submissions from 2 submitters: Uncertain significance (2). Last evaluated 2026-07-22.

Conditions:
Congenital glucose-galactose malabsorption (GGM). Also called: MONOSACCHARIDE MALABSORPTION; DIARRHEA 16. Identifiers: Orphanet 35710, MedGen C0268186, MONDO:0011731, OMIM 606824.
SLC5A1-related disorder. Also called: SLC5A1-related condition.

Allele frequency attached by ClinVar (database versions not stated): gnomAD 0.00001; TOPMed 0.00001; gnomAD exomes 0.00002.
gnomAD v4.1: 25 of 1,613,154 alleles (0.0015%); highest among the groups gnomAD compares: Non-Finnish European, 0.002%; no homozygotes.

Submissions (2):

PreventionGenetics, part of Exact Sciences
Classification: Uncertain significance for SLC5A1-related condition. Last evaluated: 2026-07-22. Review status: criteria provided, single submitter. Criteria: ACMG Guidelines, 2015. Collection method: clinical testing. Allele origin: germline.
Comment: The SLC5A1 c.206C>T variant is predicted to result in the amino acid substitution p.Pro69Leu. To our knowledge, this variant has not been reported in the literature or in a large population database (gnomAD), indicating this variant is rare. At this time, the clinical significance of this variant is uncertain due to the absence of conclusive functional and genetic evidence.

Labcorp Genetics (formerly Invitae), Labcorp
Classification: Uncertain significance for Congenital glucose-galactose malabsorption. Last evaluated: 2021-10-29. Review status: criteria provided, single submitter. Criteria: Invitae Variant Classification Sherloc (09022015). Collection method: clinical testing. Allele origin: germline.
Comment: This sequence change replaces proline, which is neutral and non-polar, with leucine, which is neutral and non-polar, at codon 69 of the SLC5A1 protein (p.Pro69Leu). This variant is not present in population databases (gnomAD no frequency). This missense change has been observed in individual(s) with SLC5A1-related condition (Invitae). ClinVar contains an entry for this variant (Variation ID: 1060467). Algorithms developed to predict the effect of missense changes on protein structure and function are either unavailable or do not agree on the potential impact of this missense change (SIFT: "Deleterious"; PolyPhen-2: "Benign"; Align-GVGD: "Class C65"). In summary, the available evidence is currently insufficient to determine the role of this variant in disease. Therefore, it has been classified as a Variant of Uncertain Significance.